The following is an entry in ClinVar:

NM_005422.4(TECTA):c.665T>C (p.Leu222Pro)

Genes: TBCEL-TECTA (TBCEL-TECTA readthrough; plus strand), TECTA (tectorin alpha; plus strand). Cytogenetic location: 11q23.3.
Variant type: single nucleotide variant.
Coding change: c.665T>C on transcript NM_005422.4 (MANE Select); coding-DNA position 665, T replaced by C.
Protein change: p.Leu222Pro; replaces leucine 222 with proline.
Molecular consequence: missense variant.
Genome position (GRCh38, 1-based): chr11:121,113,593, T>C. VCF-style: chr11-121113593-T-C. GRCh37 (hg19) VCF-style: chr11-120984302-T-C.
Other names: c.1622T>C, p.Leu541Pro (NM_001378761.1); short protein forms L222P, L541P.
Identifiers: ClinVar variation 1706167 (VCV001706167.4), dbSNP rs1180694694, ClinGen allele CA383023234.

ClinVar aggregate classification (germline): Conflicting classifications of pathogenicity. Review status: criteria provided, conflicting classifications (1 of 4 stars). 2 submissions from 2 submitters: Uncertain significance (1); Likely benign (1). Last evaluated 2024-11-19.

Allele frequency attached by ClinVar (database versions not stated): gnomAD exomes below 0.00001; gnomAD 0.00001.
gnomAD v4.1: 2 of 1,613,896 alleles (0.00012%); highest among the groups gnomAD compares: African/African-American, 0.0013%; no homozygotes.

Submissions (2):

Labcorp Genetics (formerly Invitae), Labcorp
Classification: Likely benign. Last evaluated: 2024-11-19. Review status: criteria provided, single submitter. Criteria: Invitae Variant Classification Sherloc (09022015). Collection method: clinical testing. Allele origin: germline.

GeneDx
Classification: Uncertain significance. Last evaluated: 2022-03-14. Review status: criteria provided, single submitter. Criteria: GeneDx Variant Classification Process June 2021. Collection method: clinical testing. Allele origin: germline. Affected: yes.
Comment: In silico analysis supports that this missense variant does not alter protein structure/function; Has not been previously published as pathogenic or benign to our knowledge; This variant is associated with the following publications: (PMID: 31554319, 9590290, 21520338)